The following is an entry in ClinVar:

NM_001364905.1(LRBA):c.2471C>A (p.Thr824Asn)

Gene: LRBA (LPS responsive beige-like anchor protein; minus strand). Cytogenetic location: 4q31.3.
Variant type: single nucleotide variant.
Coding change: c.2471C>A on transcript NM_001364905.1 (MANE Select); coding-DNA position 2471, C replaced by A.
Protein change: p.Thr824Asn; replaces threonine 824 with asparagine.
Molecular consequence: missense variant.
Genome position (GRCh38, 1-based): chr4:150,868,284, G>T on the plus strand (C>A on the coding strand, the complement: LRBA is on the minus strand). VCF-style: chr4-150868284-G-T. GRCh37 (hg19) VCF-style: chr4-151789436-G-T.
Other names: c.2471C>A, p.Thr824Asn (NM_001199282.3, NM_001367550.1, NM_006726.5); short protein forms T824N.
Identifiers: ClinVar variation 2414107 (VCV002414107.3), dbSNP rs1341720949, ClinGen allele CA358465491.

ClinVar aggregate classification (germline): Uncertain significance (1 of 4 stars; one submission).

Conditions:
Combined immunodeficiency due to LRBA deficiency. Also called: Common variable immunodeficiency 8, with autoimmunity. Identifiers: Orphanet 445018, MedGen C3553512, MONDO:0013863, OMIM 614700.

Allele frequency attached by ClinVar (database versions not stated): gnomAD exomes below 0.00001.
gnomAD v4.1: 1 of 1,611,362 alleles (0.000062%); highest among the groups gnomAD compares: Non-Finnish European, 0.000085%; no homozygotes.

Submission:

Labcorp Genetics (formerly Invitae), Labcorp
Classification: Uncertain significance for Combined immunodeficiency due to LRBA deficiency. Last evaluated: 2022-06-18. Review status: criteria provided, single submitter. Criteria: Invitae Variant Classification Sherloc (09022015). Collection method: clinical testing. Allele origin: germline.
Comment: This sequence change replaces threonine, which is neutral and polar, with asparagine, which is neutral and polar, at codon 824 of the LRBA protein (p.Thr824Asn). This variant is not present in population databases (gnomAD no frequency). This variant has not been reported in the literature in individuals affected with LRBA-related conditions. Algorithms developed to predict the effect of missense changes on protein structure and function (SIFT, PolyPhen-2, Align-GVGD) all suggest that this variant is likely to be tolerated. In summary, the available evidence is currently insufficient to determine the role of this variant in disease. Therefore, it has been classified as a Variant of Uncertain Significance.